The following is an entry in ClinVar:

ClinVar aggregate classification (germline): Conflicting classifications of pathogenicity. Review status: criteria provided, conflicting classifications (1 of 4 stars). 2 submissions from 2 submitters: Likely pathogenic (1); Uncertain significance (1). Last evaluated 2024-09-02.

Conditions:
Familial hemiplegic migraine. Identifiers: MedGen C0338484, MONDO:0000700.

Allele frequency attached by ClinVar (database versions not stated): gnomAD exomes below 0.00001; TOPMed below 0.00001; ExAC 0.00001.
gnomAD v4.1: 5 of 1,613,860 alleles (0.00031%); highest among the groups gnomAD compares: East Asian, 0.0045%; no homozygotes.

Submissions (2):

Labcorp Genetics (formerly Invitae), Labcorp
Classification: Likely pathogenic for Familial hemiplegic migraine. Last evaluated: 2024-09-02. Review status: criteria provided, single submitter. Criteria: Invitae Variant Classification Sherloc (09022015). Collection method: clinical testing. Allele origin: germline.
Comment: This sequence change replaces arginine, which is basic and polar, with glutamine, which is neutral and polar, at codon 1007 of the ATP1A2 protein (p.Arg1007Gln). This variant is present in population databases (rs754878991, gnomAD 0.0009%). This variant has not been reported in the literature in individuals affected with ATP1A2-related conditions. ClinVar contains an entry for this variant (Variation ID: 2505011). Invitae Evidence Modeling of protein sequence and biophysical properties (such as structural, functional, and spatial information, amino acid conservation, physicochemical variation, residue mobility, and thermodynamic stability) indicates that this missense variant is expected to disrupt ATP1A2 protein function with a positive predictive value of 95%. This variant disrupts the p.Arg1007 amino acid residue in ATP1A2. Other variant(s) that disrupt this residue have been determined to be pathogenic (PMID: 23838748). This suggests that this residue is clinically significant, and that variants that disrupt this residue are likely to be disease-causing. In summary, the currently available evidence indicates that the variant is pathogenic, but additional data are needed to prove that conclusively. Therefore, this variant has been classified as Likely Pathogenic.

GeneDx
Classification: Uncertain significance. Last evaluated: 2022-12-06. Review status: criteria provided, single submitter. Criteria: GeneDx Variant Classification Process June 2021. Collection method: clinical testing. Allele origin: germline. Affected: yes.
Comment: Not observed at significant frequency in large population cohorts (gnomAD); In silico analysis supports that this missense variant has a deleterious effect on protein structure/function; Has not been previously published as pathogenic or benign to our knowledge

Literature cited by the submitters: PubMed 23838748 (cited by Labcorp Genetics (formerly Invitae), Labcorp).

NM_000702.4(ATP1A2):c.3020G>A (p.Arg1007Gln)

Gene: ATP1A2 (ATPase Na+/K+ transporting subunit alpha 2; plus strand). Cytogenetic location: 1q23.2.
Variant type: single nucleotide variant.
Coding change: c.3020G>A on transcript NM_000702.4 (MANE Select); coding-DNA position 3020, G replaced by A.
Protein change: p.Arg1007Gln; replaces arginine 1007 with glutamine.
Molecular consequence: missense variant.
Genome position (GRCh38, 1-based): chr1:160,139,970, G>A. VCF-style: chr1-160139970-G-A. GRCh37 (hg19) VCF-style: chr1-160109760-G-A.
Other names: short protein forms R1007Q.
Identifiers: ClinVar variation 2505011 (VCV002505011.4), dbSNP rs754878991, ClinGen allele CA1194911.